The following is an entry in ClinVar:

NM_000204.5(CFI):c.878G>A (p.Cys293Tyr)

Gene: CFI (complement factor I; minus strand). Cytogenetic location: 4q25.
Variant type: single nucleotide variant.
Coding change: c.878G>A on transcript NM_000204.5 (MANE Select); coding-DNA position 878, G replaced by A.
Protein change: p.Cys293Tyr; replaces cysteine 293 with tyrosine.
Molecular consequence: missense variant. On other transcripts: non-coding transcript variant (3).
Genome position (GRCh38, 1-based): chr4:109,760,275, C>T on the plus strand (G>A on the coding strand, the complement: CFI is on the minus strand). VCF-style: chr4-109760275-C-T. GRCh37 (hg19) VCF-style: chr4-110681431-C-T.
Other names: c.878G>A, p.Cys293Tyr (NM_001318057.2, NM_001331035.2, NM_001375278.1 and 5 more transcripts); c.269G>A, p.Cys90Tyr (NM_001375284.1); short protein forms C293Y, C90Y.
Identifiers: ClinVar variation 1719153 (VCV001719153.5), dbSNP rs2545433995, ClinGen allele CA357860961.

ClinVar aggregate classification (germline): Uncertain significance (1 of 4 stars; one submission).

Submission:

Labcorp Genetics (formerly Invitae), Labcorp
Classification: Uncertain significance. Last evaluated: 2024-10-22. Review status: criteria provided, single submitter. Criteria: Invitae Variant Classification Sherloc (09022015). Collection method: clinical testing. Allele origin: germline.
Comment: This sequence change replaces cysteine, which is neutral and slightly polar, with tyrosine, which is neutral and polar, at codon 293 of the CFI protein (p.Cys293Tyr). This variant is not present in population databases (gnomAD no frequency). This variant has not been reported in the literature in individuals affected with CFI-related conditions. ClinVar contains an entry for this variant (Variation ID: 1719153). Invitae Evidence Modeling of protein sequence and biophysical properties (such as structural, functional, and spatial information, amino acid conservation, physicochemical variation, residue mobility, and thermodynamic stability) indicates that this missense variant is expected to disrupt CFI protein function with a positive predictive value of 80%. In summary, the available evidence is currently insufficient to determine the role of this variant in disease. Therefore, it has been classified as a Variant of Uncertain Significance.